The following is an entry in ClinVar:

ClinVar aggregate classification (germline): Uncertain significance (1 of 4 stars; one submission).

Conditions:
Early-infantile DEE. Also called: Early infantile epileptic encephalopathy with suppression bursts; Ohtahara syndrome; Early infantile epileptic encephalopathy. Identifiers: Orphanet 1934, MedGen C0393706, MONDO:0800491.

Submission:

Labcorp Genetics (formerly Invitae), Labcorp
Classification: Uncertain significance for Early-infantile DEE. Last evaluated: 2021-07-28. Review status: criteria provided, single submitter. Criteria: Invitae Variant Classification Sherloc (09022015). Collection method: clinical testing. Allele origin: germline.
Comment: In summary, the available evidence is currently insufficient to determine the role of this variant in disease. Therefore, it has been classified as a Variant of Uncertain Significance. Nucleotide substitutions within the consensus splice site are a relatively common cause of aberrant splicing (PMID: 17576681, 9536098). Algorithms developed to predict the effect of sequence changes on RNA splicing suggest that this variant is not likely to affect RNA splicing. This variant has not been reported in the literature in individuals affected with SCN8A-related conditions. This variant is not present in population databases (ExAC no frequency). This sequence change falls in intron 13 of the SCN8A gene. It does not directly change the encoded amino acid sequence of the SCN8A protein. It affects a nucleotide within the consensus splice site of the intron.

Literature cited by the submitters: PubMed 17576681; PubMed 9536098.

NM_001330260.2(SCN8A):c.2131+4T>A

Gene: SCN8A (sodium voltage-gated channel alpha subunit 8; plus strand). Cytogenetic location: 12q13.13.
Variant type: single nucleotide variant.
Coding change: c.2131+4T>A on transcript NM_001330260.2 (MANE Select); 4 bases into the intron after coding-DNA position 2131, T replaced by A.
Molecular consequence: intron variant.
Genome position (GRCh38, 1-based): chr12:51,746,039, T>A. VCF-style: chr12-51746039-T-A. GRCh37 (hg19) VCF-style: chr12-52139823-T-A.
Other names: c.2131+4T>A (NM_014191.4, NM_001177984.3, NM_001369788.1).
Identifiers: ClinVar variation 1364961 (VCV001364961.7), dbSNP rs2138829043, ClinGen allele CA2573148765.
Genomic context (GRCh38, chr12:51,746,039, plus strand): 5'-GGCGGAAGGACAGAATCAACAGTATAATGAGTGTTGTTACAAATACACTAGTAGAAGGTA[T>A]GTGCCCTATAATGTCAGTCCAACCGCTGAGATATAAATATGTAATGTGCATGGTAAATAT-3'